The following is an entry in ClinVar:

ClinVar aggregate classification (germline): Uncertain significance (1 of 4 stars; one submission).

Conditions:
Primary ciliary dyskinesia. Also called: Ciliary dyskinesia. Identifiers: Orphanet 244, MedGen C0008780, MONDO:0016575, HP:0012265.

Submission:

Labcorp Genetics (formerly Invitae), Labcorp
Classification: Uncertain significance for Primary ciliary dyskinesia. Last evaluated: 2023-11-27. Review status: criteria provided, single submitter. Criteria: Invitae Variant Classification Sherloc (09022015). Collection method: clinical testing. Allele origin: germline.
Comment: This sequence change replaces threonine, which is neutral and polar, with isoleucine, which is neutral and non-polar, at codon 596 of the DNAI1 protein (p.Thr596Ile). This variant is not present in population databases (gnomAD no frequency). This variant has not been reported in the literature in individuals affected with DNAI1-related conditions. ClinVar contains an entry for this variant (Variation ID: 1403106). Advanced modeling of protein sequence and biophysical properties (such as structural, functional, and spatial information, amino acid conservation, physicochemical variation, residue mobility, and thermodynamic stability) performed at Invitae indicates that this missense variant is expected to disrupt DNAI1 protein function with a positive predictive value of 80%. In summary, the available evidence is currently insufficient to determine the role of this variant in disease. Therefore, it has been classified as a Variant of Uncertain Significance.

NM_012144.4(DNAI1):c.1787C>T (p.Thr596Ile)

Gene: DNAI1 (dynein axonemal intermediate chain 1; plus strand). Cytogenetic location: 9p13.3.
Variant type: single nucleotide variant.
Coding change: c.1787C>T on transcript NM_012144.4 (MANE Select); coding-DNA position 1787, C replaced by T.
Protein change: p.Thr596Ile; replaces threonine 596 with isoleucine.
Molecular consequence: missense variant.
Genome position (GRCh38, 1-based): chr9:34,514,708, C>T. VCF-style: chr9-34514708-C-T. GRCh37 (hg19) VCF-style: chr9-34514706-C-T.
Other names: c.1799C>T, p.Thr600Ile (NM_001281428.2); short protein forms T600I, T596I.
Identifiers: ClinVar variation 1403106 (VCV001403106.14), dbSNP rs2132084252, ClinGen allele CA373264604.